The following is an entry in ClinVar:

NM_020461.4(TUBGCP6):c.4399G>A (p.Ala1467Thr)

Gene: TUBGCP6 (tubulin gamma complex component 6; minus strand). Cytogenetic location: 22q13.33.
Variant type: single nucleotide variant.
Coding change: c.4399G>A on transcript NM_020461.4 (MANE Select); coding-DNA position 4399, G replaced by A.
Protein change: p.Ala1467Thr; replaces alanine 1467 with threonine.
Molecular consequence: missense variant.
Genome position (GRCh38, 1-based): chr22:50,219,373, C>T on the plus strand (G>A on the coding strand, the complement: TUBGCP6 is on the minus strand). VCF-style: chr22-50219373-C-T. GRCh37 (hg19) VCF-style: chr22-50657802-C-T.
Other names: short protein forms A1467T.
Identifiers: ClinVar variation 935574 (VCV000935574.11), dbSNP rs1232043767, ClinGen allele CA412171986.
Genomic context (GRCh38, chr22:50,219,373, plus strand): 5'-AGCGCTTCATGAGCACGGGCAGCGTCAGCAACTCGCTCAGCTGCACAGCAGTCTCATCAG[C>T]GGCAGACTGGACCTGGGGGTCCACGGGGAAGGCGAAGGCCCGGGGAAGCACGGGGCGCAA-3'
Protein context (NP_065194.3, residues 1457-1477): FPVDPQVQSA[Ala1467Thr]DETAVQLSEL

ClinVar aggregate classification (germline): Uncertain significance. Review status: criteria provided, multiple submitters, no conflicts (2 of 4 stars). 3 submissions from 3 submitters: Uncertain significance (3). Last evaluated 2024-12-03.

Conditions:
Inborn genetic diseases. Identifiers: MedGen C0950123, MeSH D030342.

Allele frequency attached by ClinVar (database versions not stated): gnomAD exomes 0.00001 and 0.00003; gnomAD 0.00003; TOPMed 0.00003.

Submissions (3):

Ambry Genetics
Classification: Uncertain significance for Inborn genetic diseases. Last evaluated: 2024-12-03. Review status: criteria provided, single submitter. Criteria: Ambry Variant Classification Scheme 2023. Collection method: clinical testing. Allele origin: germline.

Labcorp Genetics (formerly Invitae), Labcorp
Classification: Uncertain significance. Last evaluated: 2022-11-15. Review status: criteria provided, single submitter. Criteria: Invitae Variant Classification Sherloc (09022015). Collection method: clinical testing. Allele origin: germline.
Comment: In summary, the available evidence is currently insufficient to determine the role of this variant in disease. Therefore, it has been classified as a Variant of Uncertain Significance. Algorithms developed to predict the effect of missense changes on protein structure and function output the following: SIFT: "Tolerated"; PolyPhen-2: "Benign"; Align-GVGD: "Class C0". The threonine amino acid residue is found in multiple mammalian species, which suggests that this missense change does not adversely affect protein function. ClinVar contains an entry for this variant (Variation ID: 935574). This variant has not been reported in the literature in individuals affected with TUBGCP6-related conditions. The frequency data for this variant in the population databases is considered unreliable, as metrics indicate poor data quality at this position in the gnomAD database. This sequence change replaces alanine, which is neutral and non-polar, with threonine, which is neutral and polar, at codon 1467 of the TUBGCP6 protein (p.Ala1467Thr).

Blueprint Genetics
Classification: Uncertain significance. Last evaluated: 2022-02-16. Review status: criteria provided, single submitter. Criteria: ACMG Guidelines, 2015. Collection method: clinical testing. Allele origin: germline.